The following is an entry in ClinVar:

NM_018489.3(ASH1L):c.1823G>A (p.Ser608Asn)

Gene: ASH1L (ASH1 like histone lysine methyltransferase; minus strand). Cytogenetic location: 1q22.
Variant type: single nucleotide variant.
Coding change: c.1823G>A on transcript NM_018489.3 (MANE Select); coding-DNA position 1823, G replaced by A.
Protein change: p.Ser608Asn; replaces serine 608 with asparagine.
Molecular consequence: missense variant.
Genome position (GRCh38, 1-based): chr1:155,481,047, C>T on the plus strand (G>A on the coding strand, the complement: ASH1L is on the minus strand). VCF-style: chr1-155481047-C-T. GRCh37 (hg19) VCF-style: chr1-155450838-C-T.
Other names: c.1823G>A, p.Ser608Asn (NM_001366177.2); c.1823G>A (NM_018489.2); short protein forms S608N.
Identifiers: ClinVar variation 2498428 (VCV002498428.29), dbSNP rs149565722, ClinGen allele CA1147290.

ClinVar aggregate classification (germline): Likely benign. Review status: criteria provided, single submitter (1 of 4 stars). 2 submissions from 2 submitters: Likely benign (1). 1 of the submissions does not count toward it. Last evaluated 2026-04-01.

Conditions:
ASH1L-related disorder. Also called: ASH1L-related condition.

Allele frequency attached by ClinVar (database versions not stated): 1000 Genomes Project 30x 0.00016; 1000 Genomes Project 0.00020; TOPMed 0.00052; ExAC 0.00056; gnomAD 0.00057; gnomAD exomes 0.00088; ESP Exome Variant Server 0.00092.
gnomAD v4.1: 1,429 of 1,613,996 alleles (0.089%); highest among the groups gnomAD compares: Non-Finnish European, 0.11%; no homozygotes.

Submissions (2):

CeGaT Center for Human Genetics Tuebingen
Classification: Likely benign. Last evaluated: 2026-04-01. Review status: criteria provided, single submitter. Criteria: CeGaT Center For Human Genetics Tuebingen Variant Classification Criteria Version 2. Collection method: clinical testing. Allele origin: germline. Affected: yes. Observed: 11 variant alleles.
Comment: ASH1L: BP4, BS1

PreventionGenetics, part of Exact Sciences
Classification: Likely benign for ASH1L-related condition. Last evaluated: 2023-09-27. Review status: no assertion criteria provided. Collection method: clinical testing. Allele origin: germline. Not counted in ClinVar's aggregate classification.
Comment: This variant is classified as likely benign based on ACMG/AMP sequence variant interpretation guidelines (Richards et al. 2015 PMID: 25741868, with internal and published modifications).